The following is an entry in ClinVar:

NM_002788.4(PSMA3):c.590+6T>G

Genes: PSMA3-AS1 (PSMA3 antisense RNA 1; minus strand), PSMA3 (proteasome 20S subunit alpha 3; plus strand). Cytogenetic location: 14q23.1.
Variant type: single nucleotide variant.
Coding change: c.590+6T>G on transcript NM_002788.4 (MANE Select); 6 bases into the intron after coding-DNA position 590, T replaced by G.
Molecular consequence: intron variant.
Genome position (GRCh38, 1-based): chr14:58,267,526, T>G. VCF-style: chr14-58267526-T-G. GRCh37 (hg19) VCF-style: chr14-58734244-T-G.
Other names: c.569+6T>G (NM_152132.3).
Identifiers: ClinVar variation 2708229 (VCV002708229.3), dbSNP rs747982940, ClinGen allele CA614342880.
Genomic context (GRCh38, chr14:58,267,526, plus strand): 5'-TTCTATAGATGAAAGAAATGACCTGCCGTGATATCGTTAAAGAAGTTGCAAAAATGTAAG[T>G]TGAAATTTTTCTTACCATCCACAAAAATATTTCATTTGACCTTTGCATATATATATTACA-3'

ClinVar aggregate classification (germline): Uncertain significance (1 of 4 stars; one submission).

gnomAD v4.1: 1 of 1,573,570 alleles (0.000064%); no homozygotes.

Submission:

Labcorp Genetics (formerly Invitae), Labcorp
Classification: Uncertain significance. Last evaluated: 2024-01-08. Review status: criteria provided, single submitter. Criteria: Invitae Variant Classification Sherloc (09022015). Collection method: clinical testing. Allele origin: germline.
Comment: This sequence change falls in intron 8 of the PSMA3 gene. It does not directly change the encoded amino acid sequence of the PSMA3 protein. It affects a nucleotide within the consensus splice site. This variant is present in population databases (no rsID available, gnomAD no frequency). This variant has not been reported in the literature in individuals affected with PSMA3-related conditions. Variants that disrupt the consensus splice site are a relatively common cause of aberrant splicing (PMID: 17576681, 9536098). Algorithms developed to predict the effect of sequence changes on RNA splicing suggest that this variant may disrupt the consensus splice site. In summary, the available evidence is currently insufficient to determine the role of this variant in disease. Therefore, it has been classified as a Variant of Uncertain Significance.

Literature cited by the submitters: PubMed 17576681; PubMed 9536098.